The following is an entry in ClinVar:

ClinVar aggregate classification (germline): Uncertain significance (1 of 4 stars; one submission).

gnomAD v4.1: 2 of 1,606,898 alleles (0.00012%); highest among the groups gnomAD compares: South Asian, 0.0011%; no homozygotes.

Submission:

Labcorp Genetics (formerly Invitae), Labcorp
Classification: Uncertain significance. Last evaluated: 2023-11-03. Review status: criteria provided, single submitter. Criteria: Invitae Variant Classification Sherloc (09022015). Collection method: clinical testing. Allele origin: germline.
Comment: This sequence change replaces arginine, which is basic and polar, with tryptophan, which is neutral and slightly polar, at codon 1883 of the PRR12 protein (p.Arg1883Trp). The frequency data for this variant in the population databases is considered unreliable, as metrics indicate poor data quality at this position in the gnomAD database. This variant has not been reported in the literature in individuals affected with PRR12-related conditions. Experimental studies and prediction algorithms are not available or were not evaluated, and the functional significance of this variant is currently unknown. In summary, the available evidence is currently insufficient to determine the role of this variant in disease. Therefore, it has been classified as a Variant of Uncertain Significance.

NM_020719.3(PRR12):c.5647C>T (p.Arg1883Trp)

Gene: PRR12 (proline rich 12; plus strand). Cytogenetic location: 19q13.33.
Variant type: single nucleotide variant.
Coding change: c.5647C>T on transcript NM_020719.3 (MANE Select); coding-DNA position 5647, C replaced by T.
Protein change: p.Arg1883Trp; replaces arginine 1883 with tryptophan.
Molecular consequence: missense variant.
Genome position (GRCh38, 1-based): chr19:49,621,548, C>T. VCF-style: chr19-49621548-C-T. GRCh37 (hg19) VCF-style: chr19-50124805-C-T.
Other names: short protein forms R1883W.
Identifiers: ClinVar variation 2693047 (VCV002693047.3), dbSNP rs1304697024, ClinGen allele CA406841113.